The following is an entry in ClinVar:

NM_001277115.2(DNAH11):c.7360G>T (p.Val2454Leu)

Gene: DNAH11 (dynein axonemal heavy chain 11; plus strand). Cytogenetic location: 7p15.3.
Variant type: single nucleotide variant.
Coding change: c.7360G>T on transcript NM_001277115.2 (MANE Select); coding-DNA position 7360, G replaced by T.
Protein change: p.Val2454Leu; replaces valine 2454 with leucine.
Molecular consequence: missense variant.
Genome position (GRCh38, 1-based): chr7:21,725,904, G>T. VCF-style: chr7-21725904-G-T. GRCh37 (hg19) VCF-style: chr7-21765522-G-T.
Other names: short protein forms V2454L.
Identifiers: ClinVar variation 1050442 (VCV001050442.5), dbSNP rs536942937, ClinGen allele CA4181203.

ClinVar aggregate classification (germline): Conflicting classifications of pathogenicity. Review status: criteria provided, conflicting classifications (1 of 4 stars). 3 submissions from 3 submitters: Uncertain significance (1); Benign (1). 1 of the submissions does not count toward it. Last evaluated 2024-05-06.

Conditions:
Primary ciliary dyskinesia. Also called: Ciliary dyskinesia. Identifiers: Orphanet 244, MedGen C0008780, MONDO:0016575, HP:0012265.

Allele frequency attached by ClinVar (database versions not stated): TOPMed below 0.00001; gnomAD 0.00004; gnomAD exomes 0.00011; 1000 Genomes Project 30x 0.00016; ExAC 0.00018; 1000 Genomes Project 0.00020.
gnomAD v4.1: 78 of 1,594,268 alleles (0.0049%); highest among the groups gnomAD compares: South Asian, 0.086%; no homozygotes.

Submissions (3):

Women's Health and Genetics/Laboratory Corporation of America, LabCorp
Classification: Uncertain significance. Last evaluated: 2024-05-06. Review status: criteria provided, single submitter. Criteria: LabCorp Variant Classification Summary - May 2015. Collection method: clinical testing. Allele origin: germline.

Labcorp Genetics (formerly Invitae), Labcorp
Classification: Benign for Primary ciliary dyskinesia. Last evaluated: 2024-03-13. Review status: criteria provided, single submitter. Criteria: Invitae Variant Classification Sherloc (09022015). Collection method: clinical testing. Allele origin: germline.

Department of Pathology and Laboratory Medicine, Sinai Health System
Classification: Uncertain significance. Review status: no assertion criteria provided. Collection method: clinical testing. Allele origin: unknown. Affected: yes. Study: The Canadian Open Genetics Repository (COGR). Not counted in ClinVar's aggregate classification.
Comment: The DNAH11 p.Val2454Leu variant was not identified in the literature nor was it identified in ClinVar. The variant was identified in dbSNP (ID: rs536942937) and in control databases in 24 of 214052 chromosomes at a frequency of 0.0001121 (Genome Aggregation Database March 6, 2019, v2.1.1). The variant was observed in the following populations: South Asian in 23 of 26208 chromosomes (freq: 0.000878) and European (non-Finnish) in 1 of 93708 chromosomes (freq: 0.000011), but was not observed in the African, Latino, Ashkenazi Jewish, East Asian, European (Finnish), or Other populations. The p.Val2454 residue is not conserved in mammals and computational analyses (PolyPhen-2, SIFT, AlignGVGD, BLOSUM, MutationTaster) do not suggest a high likelihood of impact to the protein; however, this information is not predictive enough to rule out pathogenicity. The variant occurs outside of the splicing consensus sequence and in silico or computational prediction software programs (SpliceSiteFinder, MaxEntScan, NNSPLICE, GeneSplicer) do not predict a difference in splicing. In summary, based on the above information the clinical significance of this variant cannot be determined with certainty at this time. This variant is classified as a variant of uncertain significance.